The following is an entry in ClinVar:

ClinVar aggregate classification (germline): Uncertain significance (1 of 4 stars; one submission).

gnomAD v4.1: 3 of 1,613,980 alleles (0.00019%); highest among the groups gnomAD compares: East Asian, 0.0067%; no homozygotes.

Submission:

GeneDx
Classification: Uncertain significance. Last evaluated: 2025-01-30. Review status: criteria provided, single submitter. Criteria: GeneDx Variant Classification Process June 2021. Collection method: clinical testing. Allele origin: germline. Affected: yes.
Comment: Not observed at significant frequency in large population cohorts (gnomAD); In silico analysis supports that this missense variant has a deleterious effect on protein structure/function; Has not been previously published as pathogenic or benign to our knowledge

NM_000384.3(APOB):c.7628A>G (p.Tyr2543Cys)

Gene: APOB (apolipoprotein B; minus strand). Cytogenetic location: 2p24.1.
Variant type: single nucleotide variant.
Coding change: c.7628A>G on transcript NM_000384.3 (MANE Select); coding-DNA position 7628, A replaced by G.
Protein change: p.Tyr2543Cys; replaces tyrosine 2543 with cysteine.
Molecular consequence: missense variant.
Genome position (GRCh38, 1-based): chr2:21,009,240, T>C on the plus strand (A>G on the coding strand, the complement: APOB is on the minus strand). VCF-style: chr2-21009240-T-C. GRCh37 (hg19) VCF-style: chr2-21232112-T-C.
Other names: short protein forms Y2543C.
Identifiers: ClinVar variation 4072497 (VCV004072497.1).